The following is an entry in ClinVar:

NM_000038.6(APC):c.7193C>T (p.Ser2398Phe)

Gene: APC (APC regulator of Wnt signaling pathway; plus strand). Cytogenetic location: 5q22.2.
Variant type: single nucleotide variant.
Coding change: c.7193C>T on transcript NM_000038.6 (MANE Select); coding-DNA position 7193, C replaced by T.
Protein change: p.Ser2398Phe; replaces serine 2398 with phenylalanine.
Molecular consequence: missense variant.
Genome position (GRCh38, 1-based): chr5:112,842,787, C>T. VCF-style: chr5-112842787-C-T. GRCh37 (hg19) VCF-style: chr5-112178484-C-T.
Other names: c.7193C>T, p.Ser2398Phe (NM_001127510.3, NM_001354895.2); c.7139C>T, p.Ser2380Phe (NM_001127511.3); c.7247C>T, p.Ser2416Phe (NM_001354896.2); c.7223C>T, p.Ser2408Phe (NM_001354897.2); c.7118C>T, p.Ser2373Phe (NM_001354898.2); c.7109C>T, p.Ser2370Phe (NM_001354899.2); c.7070C>T, p.Ser2357Phe (NM_001354900.2); c.7016C>T, p.Ser2339Phe (NM_001354901.2); and 5 more; short protein forms S2380F, S2398F, S2272F, S2297F, S2307F, S2373F, S2115F, S2357F.
Identifiers: ClinVar variation 188173 (VCV000188173.47), dbSNP rs150882838, ClinGen allele CA012909.

ClinVar aggregate classification (germline): Conflicting classifications of pathogenicity. Review status: criteria provided, conflicting classifications (1 of 4 stars). 14 submissions from 14 submitters: Uncertain significance (5); Benign (1); Likely benign (6). 2 of the submissions do not count toward it. Last evaluated 2026-02-01.

Conditions:
Classic or attenuated familial adenomatous polyposis. Identifiers: MedGen CN372698, MONDO:0021057.
APC-related disorder. Also called: APC-related condition.
Hereditary cancer-predisposing syndrome. Also called: Neoplastic Syndromes, Hereditary; Tumor predisposition; Hereditary neoplastic syndrome; Hereditary Cancer Syndrome. Identifiers: Orphanet 140162, MedGen C0027672, MeSH D009386, MONDO:0015356.
Familial adenomatous polyposis 1 (FAP1). Also called: FAMILIAL ADENOMATOUS POLYPOSIS 1, ATTENUATED; POLYPOSIS, ADENOMATOUS INTESTINAL. Identifiers: MedGen C2713442, MONDO:0021056, OMIM 175100. Disease mechanism: loss of function.

Allele frequency attached by ClinVar (database versions not stated): ExAC 0.00003; gnomAD exomes 0.00004; gnomAD 0.00015 and 0.00017; TOPMed 0.00020; ESP Exome Variant Server 0.00023.
gnomAD v4.1: 47 of 1,613,610 alleles (0.0029%); highest among the groups gnomAD compares: African/African-American, 0.041%; no homozygotes.

Submissions (14):

Labcorp Genetics (formerly Invitae), Labcorp
Classification: Likely benign for Familial adenomatous polyposis 1. Last evaluated: 2026-02-01. Review status: criteria provided, single submitter. Criteria: Invitae Variant Classification Sherloc (09022015). Collection method: clinical testing. Allele origin: germline.

Women's Health and Genetics/Laboratory Corporation of America, LabCorp
Classification: Likely benign. Last evaluated: 2026-01-16. Review status: criteria provided, single submitter. Criteria: LabCorp Variant Classification Summary - May 2015. Collection method: clinical testing. Allele origin: germline.
Comment: Variant summary: APC c.7193C>T (p.Ser2398Phe) results in a non-conservative amino acid change located in the Adenomatous polyposis coli protein basic domain of the encoded protein sequence. Five of five in-silico tools predict a damaging effect of the variant on protein function. The variant allele was found at a frequency of 5.7e-05 in 281542 control chromosomes, predominantly at a frequency of 0.00052 within the African or African-American subpopulation in the gnomAD database. The observed variant frequency within African or African-American control individuals in the gnomAD database is approximately 7 fold of the estimated maximal expected allele frequency for a pathogenic variant in APC causing Familial Adenomatous Polyposis phenotype (7.1e-05), strongly suggesting that the variant is a benign polymorphism found primarily in populations of African or African-American origin.c.7193C>T has been reported in the literature in individuals affected with colorectal cancer, breast and/or ovarian cancer and patients with features of Cowden/Cowden-like and Bannayan-Riley-Ruvalcaba syndromes (Yehia_2018, Maxwell_2016, Chubb_2015). These reports do not provide unequivocal conclusions about association of the variant with Familial Adenomatous Polyposis. To our knowledge, no experimental evidence demonstrating an impact on protein function has been reported. The following publications have been ascertained in the context of this evaluation (PMID: 25559809, 27153395, 29684080). Ten submitters have cited clinical-significance assessments for this variant to ClinVar after 2014 and classified as benign/likely benign (n=3) and VUS (n=7). Based on the evidence outlined above, the variant was classified as likely benign.

PreventionGenetics, part of Exact Sciences
Classification: Likely benign for APC-related condition. Last evaluated: 2025-07-28. Review status: criteria provided, single submitter. Criteria: ACMG Guidelines, 2015. Collection method: clinical testing. Allele origin: germline.
Comment: This variant is classified as likely benign based on ACMG/AMP sequence variant interpretation guidelines (Richards et al. 2015 PMID: 25741868, with internal and published modifications).

Myriad Genetics, Inc.
Classification: Likely benign for Familial adenomatous polyposis 1. Last evaluated: 2024-08-27. Review status: criteria provided, single submitter. Criteria: Myriad Autosomal Dominant, Autosomal Recessive and X-Linked Classification Criteria (2023). Collection method: clinical testing. Allele origin: unknown.
Comment: This variant is considered likely benign. This variant has been observed at a population frequency that is significantly greater than expected given the associated disease prevalence and penetrance.

All of Us Research Program, National Institutes of Health
Classification: Uncertain significance for Classic or attenuated familial adenomatous polyposis. Last evaluated: 2024-06-17. Review status: criteria provided, single submitter. Criteria: ACMG Guidelines, 2015. Collection method: clinical testing. Allele origin: germline. Inheritance: Autosomal dominant inheritance. Observed: 11 variant alleles, 11 heterozygotes.
Comment: This missense variant replaces serine with phenylalanine at codon 2398 of the APC protein. Computational prediction is inconclusive regarding the impact of this variant on protein structure and function (internally defined REVEL score threshold 0.5 < inconclusive < 0.7, PMID: 27666373). To our knowledge, functional studies have not been reported for this variant. This variant has been reported in individuals affected with colon cancer in the literature (PMID: 25559809). This variant has also been identified in 16/281542 chromosomes in the general population by the Genome Aggregation Database (gnomAD). The available evidence is insufficient to determine the role of this variant in disease conclusively. Therefore, this variant is classified as a Variant of Uncertain Significance.

This study involves interpretation of variants in research participants for the purpose of population health screening. Participant phenotype was not available at the time of variant classification. Additional details can be found in publication PMID: 35346344, PMCID: PMC8962531

Color Diagnostics, LLC DBA Color Health
Classification: Uncertain significance for Hereditary cancer-predisposing syndrome. Last evaluated: 2024-04-10. Review status: criteria provided, single submitter. Criteria: ACMG Guidelines, 2015. Collection method: clinical testing. Allele origin: germline.
Comment: This missense variant replaces serine with phenylalanine at codon 2398 of the APC protein. Computational prediction is inconclusive regarding the impact of this variant on protein structure and function (internally defined REVEL score threshold 0.5 < inconclusive < 0.7, PMID: 27666373). To our knowledge, functional studies have not been reported for this variant. This variant has been reported in individuals affected with colorectal cancer (PMID: 25559809, 29684080). This variant has been identified in 16/281542 chromosomes in the general population by the Genome Aggregation Database (gnomAD). The available evidence is insufficient to determine the role of this variant in disease conclusively. Therefore, this variant is classified as a Variant of Uncertain Significance.

Ambry Genetics
Classification: Benign for Hereditary cancer-predisposing syndrome. Last evaluated: 2023-02-14. Review status: criteria provided, single submitter. Criteria: Ambry Variant Classification Scheme 2023. Collection method: clinical testing. Allele origin: germline.

Quest Diagnostics Nichols Institute San Juan Capistrano
Classification: Likely benign. Last evaluated: 2022-08-15. Review status: criteria provided, single submitter. Criteria: Quest Diagnostics criteria. Collection method: clinical testing. Allele origin: unknown.

Sema4
Classification: Uncertain significance for Hereditary cancer-predisposing syndrome. Last evaluated: 2022-03-03. Review status: criteria provided, single submitter. Criteria: Sema4 Curation Guidelines. Collection method: curation. Allele origin: germline.
Comment: The APC c.7193C>T (p.S2398F) variant has been reported in heterozygosity in at least three individuals with colorectal or breast cancer (PMID: 27153395, 29684080, 25559809). This variant was observed in 13/24926 chromosomes in the African population, with no homozygotes, according to the Genome Aggregation Database (PMID: 32461654), and has been reported in ClinVar (Variation ID: 188173). Functional studies have not been performed, and in silico predictions of the variant's effect on protein function are inconclusive. The evidence is insufficient to meet ACMG/AMP criteria for classifying the variant as benign or pathogenic. Thus, the clinical significance of this variant is currently uncertain.

Baylor Genetics
Classification: Uncertain significance for Familial adenomatous polyposis 1. Last evaluated: 2020-12-01. Review status: criteria provided, single submitter. Criteria: ACMG Guidelines, 2015. Collection method: clinical testing. Allele origin: maternal. Affected: yes. Study: CSER-TexasKidsCanSeq.
Comment: This variant was determined to be of uncertain significance according to ACMG Guidelines, 2015 [PMID:25741868].

GeneDx
Classification: Likely benign. Last evaluated: 2020-10-01. Review status: criteria provided, single submitter. Criteria: GeneDx Variant Classification Process June 2021. Collection method: clinical testing. Allele origin: germline. Affected: yes.
Comment: In silico analysis supports that this missense variant does not alter protein structure/function; This variant is associated with the following publications: (PMID: 25559809, 27153395)

Mendelics
Classification: Uncertain significance for Familial adenomatous polyposis 1. Last evaluated: 2018-07-02. Review status: criteria provided, single submitter. Criteria: Mendelics Assertion Criteria 2017. Collection method: clinical testing. Allele origin: unknown.

Counsyl
Classification: Uncertain significance for Familial adenomatous polyposis 1. Last evaluated: 2016-03-02. Review status: no assertion criteria provided. Collection method: clinical testing. Allele origin: unknown. Not counted in ClinVar's aggregate classification.

Mayo Clinic Laboratories, Mayo Clinic
Classification: Uncertain significance. Review status: no assertion criteria provided. Collection method: clinical testing. Allele origin: unknown. Not counted in ClinVar's aggregate classification.

Literature cited by the submitters: PubMed 25559809 (cited by 7 submitters); PubMed 27153395 (cited by 4 submitters); PubMed 29684080 (cited by 4 submitters).